The following is an entry in ClinVar:

ClinVar aggregate classification (germline): Uncertain significance. Review status: criteria provided, multiple submitters, no conflicts (2 of 4 stars). 6 submissions from 6 submitters: Uncertain significance (5). 1 of the submissions does not count toward it. Last evaluated 2025-02-06.

Conditions:
Fanconi anemia complementation group A (FANCA). Also called: FANCA-Related Fanconi Anemia; Fanconi anemia, group A. Identifiers: Orphanet 84, MedGen C3469521, MONDO:0009215, OMIM 227650.
Fanconi anemia (FA). Also called: Fanconi's anemia. Identifiers: Orphanet 84, MedGen C0015625, MeSH D005199, MONDO:0019391.

Allele frequency attached by ClinVar (database versions not stated): gnomAD exomes 0.00001 and 0.00003; ExAC 0.00003; gnomAD 0.00005; ESP Exome Variant Server 0.00008; TOPMed 0.00010.
gnomAD v4.1: 22 of 1,607,688 alleles (0.0014%); highest among the groups gnomAD compares: Admixed American, 0.017%; no homozygotes.

Submissions (6):

Quest Diagnostics Nichols Institute San Juan Capistrano
Classification: Uncertain significance. Last evaluated: 2025-02-06. Review status: criteria provided, single submitter. Criteria: Quest Diagnostics criteria. Collection method: clinical testing. Allele origin: unknown.
Comment: The FANCA c.3536C>G (p.Pro1179Arg) variant has not been reported in the published literature in individuals with FANCA-related disorders. The frequency of this variant in the general population (Genome Aggregation Database) is uninformative in the assessment of its pathogenicity. Analysis of this variant using bioinformatics tools for the prediction of the effect of amino acid changes on protein structure and function yielded conflicting predictions that this variant is benign or damaging. Based on the available information, we are unable to determine the clinical significance of this variant.

Labcorp Genetics (formerly Invitae), Labcorp
Classification: Uncertain significance for Fanconi anemia. Last evaluated: 2024-07-01. Review status: criteria provided, single submitter. Criteria: Invitae Variant Classification Sherloc (09022015). Collection method: clinical testing. Allele origin: germline.
Comment: This sequence change replaces proline, which is neutral and non-polar, with arginine, which is basic and polar, at codon 1179 of the FANCA protein (p.Pro1179Arg). This variant is present in population databases (rs141422170, gnomAD 0.01%). This variant has not been reported in the literature in individuals affected with FANCA-related conditions. ClinVar contains an entry for this variant (Variation ID: 522759). Algorithms developed to predict the effect of missense changes on protein structure and function output the following: SIFT: "Not Available"; PolyPhen-2: "Possibly Damaging"; Align-GVGD: "Not Available". The arginine amino acid residue is found in multiple mammalian species, which suggests that this missense change does not adversely affect protein function. In summary, the available evidence is currently insufficient to determine the role of this variant in disease. Therefore, it has been classified as a Variant of Uncertain Significance.

Fulgent Genetics
Classification: Uncertain significance for Fanconi anemia complementation group A. Last evaluated: 2024-05-10. Review status: criteria provided, single submitter. Criteria: ACMG Guidelines, 2015. Collection method: clinical testing. Allele origin: germline.

Women's Health and Genetics/Laboratory Corporation of America, LabCorp
Classification: Uncertain significance. Last evaluated: 2023-05-12. Review status: criteria provided, single submitter. Criteria: LabCorp Variant Classification Summary - May 2015. Collection method: clinical testing. Allele origin: germline.
Comment: Variant summary: FANCA c.3536C>G (p.Pro1179Arg) results in a non-conservative amino acid change in the encoded protein sequence. Five of five in-silico tools predict a damaging effect of the variant on protein function. The variant allele was found at a frequency of 3.3e-05 in 241608 control chromosomes (gnomAD). The available data on variant occurrences in the general population are insufficient to allow any conclusion about variant significance. To our knowledge, no occurrence of c.3536C>G in individuals affected with Fanconi Anemia and no experimental evidence demonstrating its impact on protein function have been reported. Three ClinVar submitters (evaluation after 2014) have cited the variant, and all laboratories classified the variant as uncertain significance. Based on the evidence outlined above, the variant was classified as uncertain significance.

Genomic Research Center, Shahid Beheshti University of Medical Sciences
Classification: Uncertain significance for Fanconi anemia, complementation group A. Last evaluated: 2022-12-24. Review status: criteria provided, single submitter. Criteria: ACMG Guidelines, 2015. Collection method: clinical testing. Allele origin: unknown.

Natera, Inc.
Classification: Uncertain significance for Fanconi anemia. Last evaluated: 2020-03-09. Review status: no assertion criteria provided. Collection method: clinical testing. Allele origin: germline. Not counted in ClinVar's aggregate classification.

Literature cited by the submitters: PubMed 34864095 (cited by Quest Diagnostics Nichols Institute San Juan Capistrano); PubMed 31589614 (cited by Quest Diagnostics Nichols Institute San Juan Capistrano).

NM_000135.4(FANCA):c.3536C>G (p.Pro1179Arg)

Gene: FANCA (FA complementation group A; minus strand). Cytogenetic location: 16q24.3.
Variant type: single nucleotide variant.
Coding change: c.3536C>G on transcript NM_000135.4 (MANE Select); coding-DNA position 3536, C replaced by G.
Protein change: p.Pro1179Arg; replaces proline 1179 with arginine.
Molecular consequence: missense variant.
Genome position (GRCh38, 1-based): chr16:89,745,049, G>C on the plus strand (C>G on the coding strand, the complement: FANCA is on the minus strand). VCF-style: chr16-89745049-G-C. GRCh37 (hg19) VCF-style: chr16-89811457-G-C.
Other names: c.3536C>G (NM_000135.2); c.3536C>G, p.Pro1179Arg (NM_001286167.3); short protein forms P1179R.
Identifiers: ClinVar variation 522759 (VCV000522759.14), dbSNP rs141422170, ClinGen allele CA8251103.